The following is an entry in ClinVar:

NM_000834.5(GRIN2B):c.3296G>T (p.Arg1099Leu)

Gene: GRIN2B (glutamate ionotropic receptor NMDA type subunit 2B; minus strand). Cytogenetic location: 12p13.1.
Variant type: single nucleotide variant.
Coding change: c.3296G>T on transcript NM_000834.5 (MANE Select); coding-DNA position 3296, G replaced by T.
Protein change: p.Arg1099Leu; replaces arginine 1099 with leucine.
Molecular consequence: missense variant.
Genome position (GRCh38, 1-based): chr12:13,563,942, C>A on the plus strand (G>T on the coding strand, the complement: GRIN2B is on the minus strand). VCF-style: chr12-13563942-C-A. GRCh37 (hg19) VCF-style: chr12-13716876-C-A.
Other names: c.3296G>T, p.Arg1099Leu (NM_001413992.1); short protein forms R1099L.
Identifiers: ClinVar variation 2173104 (VCV002173104.4), dbSNP rs1411402744, ClinGen allele CA383990104.

ClinVar aggregate classification (germline): Uncertain significance (1 of 4 stars; one submission).

Conditions:
Developmental and epileptic encephalopathy, 27 (DEE27). Also called: GRIN2B-Related Neurodevelopmental Disorder; Epileptic encephalopathy, early infantile, 27. Identifiers: Orphanet 3451, MedGen C4015316, MONDO:0014505, OMIM 616139.
Intellectual developmental disorder, autosomal dominant 6, with or without seizures. Also called: Intellectual disability, autosomal dominant 6; GRIN2B-related developmental delay, intellectual disability and autism spectrum disorder. Identifiers: Orphanet 589547, MedGen C3151411, MONDO:0013509, OMIM 613970.

Allele frequency attached by ClinVar (database versions not stated): TOPMed below 0.00001; gnomAD 0.00001.
gnomAD v4.1: 4 of 1,614,094 alleles (0.00025%); highest among the groups gnomAD compares: East Asian, 0.0045%; no homozygotes.

Submission:

Labcorp Genetics (formerly Invitae), Labcorp
Classification: Uncertain significance for Developmental and epileptic encephalopathy, 27; Intellectual developmental disorder, autosomal dominant 6, with or without seizures. Last evaluated: 2022-06-09. Review status: criteria provided, single submitter. Criteria: Invitae Variant Classification Sherloc (09022015). Collection method: clinical testing. Allele origin: germline.
Comment: In summary, the available evidence is currently insufficient to determine the role of this variant in disease. Therefore, it has been classified as a Variant of Uncertain Significance. Algorithms developed to predict the effect of missense changes on protein structure and function are either unavailable or do not agree on the potential impact of this missense change (SIFT: "Deleterious"; PolyPhen-2: "Probably Damaging"; Align-GVGD: "Class C0"). This variant has not been reported in the literature in individuals affected with GRIN2B-related conditions. This variant is present in population databases (no rsID available, gnomAD 0.01%). This sequence change replaces arginine, which is basic and polar, with leucine, which is neutral and non-polar, at codon 1099 of the GRIN2B protein (p.Arg1099Leu).